The following is an entry in ClinVar:

NM_015599.3(PGM3):c.1624T>G (p.Phe542Val)

Genes: DOP1A (DOP1 leucine zipper like protein A; plus strand), PGM3 (phosphoglucomutase 3; minus strand). Cytogenetic location: 6q14.1.
Variant type: single nucleotide variant.
Coding change: c.1624T>G on transcript NM_015599.3 (MANE Select); coding-DNA position 1624, T replaced by G.
Protein change: p.Phe542Val; replaces phenylalanine 542 with valine.
Molecular consequence: missense variant. On other transcripts: 3 prime UTR variant (1), intron variant (1).
Genome position (GRCh38, 1-based): chr6:83,169,239, A>C on the plus strand (T>G on the coding strand, the complement: PGM3 is on the minus strand). VCF-style: chr6-83169239-A-C. GRCh37 (hg19) VCF-style: chr6-83878958-A-C.
Other names: c.1708T>G, p.Phe570Val (NM_001199917.2, NM_001367287.1); c.*59T>G (NM_001199918.2); c.1501T>G, p.Phe501Val (NM_001367286.1); c.1621+3T>G (NM_001199919.2); short protein forms F501V, F542V, F570V.
Identifiers: ClinVar variation 3382982 (VCV003382982.2).

ClinVar aggregate classification (germline): Uncertain significance (1 of 4 stars; one submission).

Conditions:
Immunodeficiency 23 (IMD23). Also called: IMMUNODEFICIENCY WITH HYPER IgE AND COGNITIVE IMPAIRMENT; IMMUNODEFICIENCY-VASCULITIS-MYOCLONUS SYNDROME. Identifiers: Orphanet 443811, MedGen C4014371, MONDO:0014353, OMIM 615816.

Submission:

Juno Genomics, Hangzhou Juno Genomics, Inc
Classification: Uncertain significance for Immunodeficiency 23. Review status: criteria provided, single submitter. Criteria: ACMG Guidelines, 2015. Collection method: clinical testing. Allele origin: germline. Affected: yes.
Comment: Absent from controls (or at extremely low frequency if recessive) in Genome Aggregation Database, Exome Sequencing Project, 1000 Genomes Project, or Exome Aggregation Consortium.;Multiple lines of computational evidence suggest no impact on gene or gene product (conservation, evolutionary, splicing impact, etc).;Patient's phenotype or family history is highly specific for a disease with a single genetic etiology.